The following is an entry in ClinVar:

NM_000145.4(FSHR):c.1760C>A (p.Pro587His)

Gene: FSHR (follicle stimulating hormone receptor; minus strand). Cytogenetic location: 2p16.3.
Variant type: single nucleotide variant.
Coding change: c.1760C>A on transcript NM_000145.4 (MANE Select); coding-DNA position 1760, C replaced by A.
Protein change: p.Pro587His; replaces proline 587 with histidine.
Molecular consequence: missense variant.
Genome position (GRCh38, 1-based): chr2:48,963,061, G>T on the plus strand (C>A on the coding strand, the complement: FSHR is on the minus strand). VCF-style: chr2-48963061-G-T. GRCh37 (hg19) VCF-style: chr2-49190200-G-T.
Other names: c.1682C>A, p.Pro561His (NM_181446.3); short protein forms P587H, P561H.
Identifiers: ClinVar variation 29704 (VCV000029704.2), dbSNP rs386833512, ClinGen allele CA128569.
Genomic context (GRCh38, chr2:48,963,061, plus strand): 5'-GCTTTGGACACAGTGATGAGGGGCACCTTGAGGGAGGCAGAAATGGCAAAGAAAGAAATG[G>T]GTGCCATGCAGAGGAAGTCAGTGAAGATGAGCATGGCCATGCGCTTGGCGATCCTGGTGT-3'
Protein context (NP_000136.2, residues 577-597): LIFTDFLCMA[Pro587His]ISFFAISASL

ClinVar aggregate classification (germline): Pathogenic/Likely pathogenic. Review status: no assertion criteria provided (0 of 4 stars). 2 submissions from 2 submitters: Pathogenic (1); Likely pathogenic (1). Last evaluated 2010-06-01.

Conditions:
Ovarian dysgenesis 1 (ODG1). Also called: OVARIAN DYSGENESIS, HYPERGONADOTROPIC, AUTOSOMAL RECESSIVE; OVARIAN DYSGENESIS, HYPERGONADOTROPIC, WITH NORMAL KARYOTYPE; OVARIAN FAILURE, HYPERGONADOTROPIC; Gonadal dysgenesis XX type deafness; GONADAL DYSGENESIS, XX TYPE. Identifiers: Orphanet 243, MedGen C0949595, MONDO:0024463, OMIM 233300.

gnomAD v4.1: 1 of 1,614,040 alleles (0.000062%); highest among the groups gnomAD compares: Non-Finnish European, 0.000085%; no homozygotes.

Submissions (2):

OMIM
Classification: Pathogenic for OVARIAN DYSGENESIS 1. Last evaluated: 2010-06-01. Review status: no assertion criteria provided. Collection method: literature only. Allele origin: germline.

Juha Muilu Group; Institute for Molecular Medicine Finland (FIMM)
Classification: Likely pathogenic for Ovarian dysgenesis 1. Review status: no assertion criteria provided. Collection method: not provided. Allele origin: unknown.
Comment: FinDis database variant: This variant was not found or characterized by our laboratory, data were collected from public sources: see reference
ClinVar note: Converted during submission from probable-pathogenic to Likely pathogenic.

Literature cited by the submitters: PubMed 20087398 (cited by OMIM).